The following is an entry in ClinVar:

ClinVar aggregate classification (germline): Pathogenic (1 of 4 stars; one submission).

Conditions:
Nemaline myopathy 2 (NEM2). Also called: Nemaline myopathy 2, autosomal recessive. Identifiers: MedGen C1850569, MONDO:0009725, OMIM 256030.

Submission:

Labcorp Genetics (formerly Invitae), Labcorp
Classification: Pathogenic for Nemaline myopathy 2. Last evaluated: 2018-11-04. Review status: criteria provided, single submitter. Criteria: Invitae Variant Classification Sherloc (09022015). Collection method: clinical testing. Allele origin: germline.
Comment: For these reasons, this variant has been classified as Pathogenic. Loss-of-function variants in NEB are known to be pathogenic (PMID: 25205138). This variant has not been reported in the literature in individuals with NEB-related disease. This variant is not present in population databases (ExAC no frequency). This sequence change creates a premature translational stop signal (p.Ala6571Metfs*14) in the NEB gene. It is expected to result in an absent or disrupted protein product.

Literature cited by the submitters: PubMed 25205138.

NM_001164508.2(NEB):c.19711_19714del (p.Ala6571fs)

Gene: NEB (nebulin; minus strand). Cytogenetic location: 2q23.3.
Variant type: Deletion.
Coding change: c.19711_19714del on transcript NM_001164508.2 (MANE Select); coding-DNA positions 19711 to 19714, 4 bases deleted (GCTT; older notation c.19711_19714delGCTT).
Protein change: p.Ala6571fs; shifts the reading frame from alanine 6571.
Molecular consequence: frameshift variant.
Genome position (GRCh38, 1-based): chr2:151,553,415-151,553,418, AAGC deleted on the plus strand (GCTT on the coding strand, the reverse complement: NEB is on the minus strand); deleting any 4 consecutive bases within chr2:151,553,415-151,553,419 gives the same sequence; the c. name uses the placement nearest the transcript's 3' end. VCF-style (leftmost placement, unchanged base first): chr2-151553414-TAAGC-T. GRCh37 (hg19) VCF-style: chr2-152409928-TAAGC-T.
Other names: c.19711_19714del, p.Ala6571fs (NM_001164507.2, NM_001271208.2); c.14608_14611del, p.Ala4870fs (NM_004543.5); short protein forms A6571fs, A4870fs.
Identifiers: ClinVar variation 660184 (VCV000660184.6), dbSNP rs1577244250, ClinGen allele CA915942819.
Genomic context (GRCh38, chr2:151,553,414, plus strand): 5'-GGAGAAATGGAAATATACTAAAGAACAAAACAAGGCAAACTCACATCATCACGTAGATCA[TAAGC>T]ATGCTTGGCATGGAGGATTTCAGGAGTGTCCCAGACGTAGCAACCAATGCCTTTCAGCCA-3'